The following is an entry in ClinVar:

NM_001364171.2(ODAD1):c.1489C>T (p.Pro497Ser)

Gene: ODAD1 (outer dynein arm docking complex subunit 1; minus strand). Cytogenetic location: 19q13.33.
Variant type: single nucleotide variant.
Coding change: c.1489C>T on transcript NM_001364171.2 (MANE Select); coding-DNA position 1489, C replaced by T.
Protein change: p.Pro497Ser; replaces proline 497 with serine.
Molecular consequence: missense variant.
Genome position (GRCh38, 1-based): chr19:48,298,013, G>A on the plus strand (C>T on the coding strand, the complement: ODAD1 is on the minus strand). VCF-style: chr19-48298013-G-A. GRCh37 (hg19) VCF-style: chr19-48801270-G-A.
Other names: c.1378C>T, p.Pro460Ser (NM_144577.4); short protein forms P497S, P460S.
Identifiers: ClinVar variation 2017986 (VCV002017986.4), dbSNP rs2515926981, ClinGen allele CA406655106.
Genomic context (GRCh38, chr19:48,298,013, plus strand): 5'-CCATGGAAGCCCCGTCCCCTCTGCGTCCCTCCTGCCCTGCGCCTCACAGAGTGTCAGGGG[G>A]CTGAAGTGGGGCCATCTTCTTCGGAAGGTCCTCCAGGCTCTGGCCCAGCACTAGGAGGGC-3'
Protein context (NP_001351100.1, residues 487-507): DLPKKMAPLQ[Pro497Ser]PDTLEDPPGF

ClinVar aggregate classification (germline): Uncertain significance (1 of 4 stars; one submission).

Conditions:
Primary ciliary dyskinesia. Also called: Ciliary dyskinesia. Identifiers: Orphanet 244, MedGen C0008780, MONDO:0016575, HP:0012265.

Submission:

Labcorp Genetics (formerly Invitae), Labcorp
Classification: Uncertain significance for Primary ciliary dyskinesia. Last evaluated: 2022-07-21. Review status: criteria provided, single submitter. Criteria: Invitae Variant Classification Sherloc (09022015). Collection method: clinical testing. Allele origin: germline.
Comment: In summary, the available evidence is currently insufficient to determine the role of this variant in disease. Therefore, it has been classified as a Variant of Uncertain Significance. Algorithms developed to predict the effect of missense changes on protein structure and function are either unavailable or do not agree on the potential impact of this missense change (SIFT: "Tolerated"; PolyPhen-2: "Possibly Damaging"; Align-GVGD: "Class C0"). This variant has not been reported in the literature in individuals affected with CCDC114-related conditions. This variant is not present in population databases (gnomAD no frequency). This sequence change replaces proline, which is neutral and non-polar, with serine, which is neutral and polar, at codon 460 of the CCDC114 protein (p.Pro460Ser).